The following is an entry in ClinVar:

ClinVar aggregate classification (germline): Uncertain significance (1 of 4 stars; one submission).

gnomAD v4.1: 5 of 1,612,218 alleles (0.00031%); highest among the groups gnomAD compares: South Asian, 0.0055%; no homozygotes.

Submission:

Labcorp Genetics (formerly Invitae), Labcorp
Classification: Uncertain significance. Last evaluated: 2023-12-06. Review status: criteria provided, single submitter. Criteria: Invitae Variant Classification Sherloc (09022015). Collection method: clinical testing. Allele origin: germline.
Comment: This sequence change replaces histidine, which is basic and polar, with arginine, which is basic and polar, at codon 309 of the TUBA8 protein (p.His309Arg). This variant is present in population databases (no rsID available, gnomAD 0.01%). This variant has not been reported in the literature in individuals affected with TUBA8-related conditions. ClinVar contains an entry for this variant (Variation ID: 1963789). Advanced modeling of protein sequence and biophysical properties (such as structural, functional, and spatial information, amino acid conservation, physicochemical variation, residue mobility, and thermodynamic stability) performed at Invitae indicates that this missense variant is not expected to disrupt TUBA8 protein function with a negative predictive value of 80%. In summary, the available evidence is currently insufficient to determine the role of this variant in disease. Therefore, it has been classified as a Variant of Uncertain Significance.

NM_018943.3(TUBA8):c.926A>G (p.His309Arg)

Gene: TUBA8 (tubulin alpha 8; plus strand). Cytogenetic location: 22q11.21.
Variant type: single nucleotide variant.
Coding change: c.926A>G on transcript NM_018943.3 (MANE Select); coding-DNA position 926, A replaced by G.
Protein change: p.His309Arg; replaces histidine 309 with arginine.
Molecular consequence: missense variant.
Genome position (GRCh38, 1-based): chr22:18,126,904, A>G. VCF-style: chr22-18126904-A-G. GRCh37 (hg19) VCF-style: chr22-18609671-A-G.
Other names: c.728A>G, p.His243Arg (NM_001193414.2); short protein forms H243R, H309R.
Identifiers: ClinVar variation 1963789 (VCV001963789.5), dbSNP rs752617563, ClinGen allele CA410265095.